The following is an entry in ClinVar:

ClinVar aggregate classification (germline): Pathogenic (1 of 4 stars; one submission).

Conditions:
Hydrocephalus, nonsyndromic, autosomal recessive 1 (HYC1). Also called: Hydrocephalus, nonsyndromic, autosomal recessive; Congenital hydrocephalus 1. Identifiers: Orphanet 2185, MedGen C3887608, MONDO:0009360, OMIM 236600.

Submission:

Myriad Genetics, Inc.
Classification: Pathogenic for Hydrocephalus, nonsyndromic, autosomal recessive 1. Last evaluated: 2025-12-15. Review status: criteria provided, single submitter. Criteria: Myriad Autosomal Dominant, Autosomal Recessive and X-Linked Classification Criteria (2023). Collection method: clinical testing. Allele origin: unknown.
Comment: NM_001080414.3(CCDC88C):c.1376_1383dup8(S462Nfs*8) is expected to be pathogenic in the context of congenital hydrocephalus, CCDC88C-related. This variant is predicted to lead to an abnormal or absent protein product due to the creation of a premature termination codon in CCDC88C, a gene where loss-of-function variants are known to be pathogenic. Please note: this variant was assessed in the context of healthy population screening.

NM_001080414.4(CCDC88C):c.1376_1383dup (p.Ser462fs)

Gene: CCDC88C (coiled-coil and HOOK domain protein 88C; minus strand). Cytogenetic location: 14q32.11.
Variant type: Duplication.
Coding change: c.1376_1383dup on transcript NM_001080414.4 (MANE Select); coding-DNA positions 1376 to 1383, 8 bases duplicated (AATGTGCG; older notation c.1376_1383dupAATGTGCG).
Protein change: p.Ser462fs; shifts the reading frame from serine 462.
Molecular consequence: frameshift variant. On other transcripts: non-coding transcript variant (2).
Genome position (GRCh38, 1-based): chr14:91,321,264-91,321,271, CGCACATT duplicated on the plus strand (AATGTGCG on the coding strand, the reverse complement: CCDC88C is on the minus strand); duplicating any 8 consecutive bases within chr14:91,321,264-91,321,273 gives the same sequence; the c. name uses the placement nearest the transcript's 3' end. VCF-style (leftmost placement, unchanged base first): chr14-91321263-A-ACGCACATT. GRCh37 (hg19) VCF-style: chr14-91787607-A-ACGCACATT.
Other names: short protein forms S462fs.
Identifiers: ClinVar variation 5015327 (VCV005015327.1).